The following is an entry in ClinVar:

ClinVar aggregate classification (germline): Conflicting classifications of pathogenicity. Review status: criteria provided, conflicting classifications (1 of 4 stars). 2 submissions from 2 submitters: Uncertain significance (1); Likely benign (1). Last evaluated 2025-08-05.

Conditions:
Hereditary cancer-predisposing syndrome. Also called: Hereditary Cancer Syndrome; Hereditary neoplastic syndrome; Neoplastic Syndromes, Hereditary; Tumor predisposition. Identifiers: Orphanet 140162, MedGen C0027672, MeSH D009386, MONDO:0015356.

Submissions (2):

Ambry Genetics
Classification: Uncertain significance for Hereditary cancer-predisposing syndrome. Last evaluated: 2025-08-05. Review status: criteria provided, single submitter. Criteria: Ambry Variant Classification Scheme 2023. Collection method: clinical testing. Allele origin: germline.
Comment: The p.G1938E variant (also known as c.5813G>A), located in coding exon 10 of the BRCA2 gene, results from a G to A substitution at nucleotide position 5813. The glycine at codon 1938 is replaced by glutamic acid, an amino acid with similar properties. This amino acid position is not well conserved in available vertebrate species, and glutamic acid is the reference amino acid in other vertebrate species. In addition, this alteration is predicted to be tolerated by in silico analysis. Since supporting evidence is limited at this time, the clinical significance of this alteration remains unclear.

University of Washington Department of Laboratory Medicine, University of Washington
Classification: Likely benign for Hereditary cancer-predisposing syndrome. Last evaluated: 2023-03-23. Review status: criteria provided, single submitter. Criteria: Dines et al. (Genet Med. 2020). Collection method: curation. Allele origin: germline.
Comment: Missense variant in a coldspot region where missense variants are very unlikely to be pathogenic (PMID:31911673).

BRCA2 exon 11 coldspot. Reclassification based on statistical prior probability.

NM_000059.4(BRCA2):c.5813G>A (p.Gly1938Glu)

Gene: BRCA2 (BRCA2 DNA repair associated; plus strand). Cytogenetic location: 13q13.1.
Variant type: single nucleotide variant.
Coding change: c.5813G>A on transcript NM_000059.4 (MANE Select); coding-DNA position 5813, G replaced by A.
Protein change: p.Gly1938Glu; replaces glycine 1938 with glutamic acid.
Molecular consequence: missense variant.
Genome position (GRCh38, 1-based): chr13:32,340,168, G>A. VCF-style: chr13-32340168-G-A. GRCh37 (hg19) VCF-style: chr13-32914305-G-A.
Other names: c.5813G>A, p.Gly1938Glu (NM_001406719.1, NM_001406720.1); short protein forms G1938E.
Identifiers: ClinVar variation 1749855 (VCV001749855.5), dbSNP rs41293499, ClinGen allele CA387787259.
Genomic context (GRCh38, chr13:32,340,168, plus strand): 5'-ATAAGGTTTTTGCTGACATTCAGAGTGAAGAAATTTTACAACATAACCAAAATATGTCTG[G>A]ATTGGAGAAAGTTTCTAAAATATCACCTTGTGATGTTAGTTTGGAAACTTCAGATATATG-3'
Protein context (NP_000050.3, residues 1928-1948): EILQHNQNMS[Gly1938Glu]LEKVSKISPC